The following is an entry in ClinVar:

NM_001365693.1(MGAM):c.7737T>C (p.Tyr2579=)

Gene: MGAM (maltase-glucoamylase; plus strand). Cytogenetic location: 7q34.
Variant type: single nucleotide variant.
Coding change: c.7737T>C on transcript NM_001365693.1 (MANE Select); coding-DNA position 7737, T replaced by C.
Protein change: p.Tyr2579=; no amino-acid change (tyrosine 2579 retained).
Molecular consequence: synonymous variant.
Genome position (GRCh38, 1-based): chr7:142,097,637, T>C. VCF-style: chr7-142097637-T-C. GRCh37 (hg19) VCF-style: chr7-141797437-T-C.
Other names: c.5049T>C, p.Tyr1683= (NM_004668.3).
Identifiers: ClinVar variation 4987834 (VCV004987834.1).
Genomic context (GRCh38, chr7:142,097,637, plus strand): 5'-TTATGTTTCATTTTAGAATGCCAGAAATGTCACTGCATATTTCCCTAGAGCCCGCTGGTA[T>C]GATTACTACACGGTAAGTTTTTCTGAATGTTTATACAACACGGGAAAATGGTAGAGAGTA-3'
Protein context (NP_001352622.1, residues 2569-2589): VTAYFPRARW[Tyr2579=]DYYTGVDINA

ClinVar aggregate classification (germline): Likely benign (1 of 4 stars; one submission).

Conditions:
MGAM-related disorder. Also called: MGAM-related condition.

Submission:

PreventionGenetics, part of Exact Sciences
Classification: Likely benign for MGAM-related condition. Last evaluated: 2024-11-15. Review status: criteria provided, single submitter. Criteria: ACMG Guidelines, 2015. Collection method: clinical testing. Allele origin: germline.
Comment: This variant is classified as likely benign based on ACMG/AMP sequence variant interpretation guidelines (Richards et al. 2015 PMID: 25741868, with internal and published modifications).